The following is an entry in ClinVar:

NM_001035.3(RYR2):c.6997C>A (p.Pro2333Thr)

Gene: RYR2 (ryanodine receptor 2; plus strand). Cytogenetic location: 1q43.
Variant type: single nucleotide variant.
Coding change: c.6997C>A on transcript NM_001035.3 (MANE Select); coding-DNA position 6997, C replaced by A.
Protein change: p.Pro2333Thr; replaces proline 2333 with threonine.
Molecular consequence: missense variant.
Genome position (GRCh38, 1-based): chr1:237,639,083, C>A. VCF-style: chr1-237639083-C-A. GRCh37 (hg19) VCF-style: chr1-237802383-C-A.
Other names: c.6997C>A, p.Pro2333Thr (LRG_402t1); short protein forms P2333T.
Identifiers: ClinVar variation 659977 (VCV000659977.11), dbSNP rs370137005, ClinGen allele CA087262.

ClinVar aggregate classification (germline): Uncertain significance. Review status: criteria provided, multiple submitters, no conflicts (2 of 4 stars). 2 submissions from 2 submitters: Uncertain significance (2). Last evaluated 2023-03-28.

Conditions:
Catecholaminergic polymorphic ventricular tachycardia 1. Also called: VENTRICULAR TACHYCARDIA, CATECHOLAMINERGIC POLYMORPHIC, 1, WITH OR WITHOUT ATRIAL DYSFUNCTION AND/OR DILATED CARDIOMYOPATHY; VENTRICULAR TACHYCARDIA, STRESS-INDUCED POLYMORPHIC 1; RYR2-Related Catecholaminergic Polymorphic Ventricular Tachycardia. Identifiers: Orphanet 3286, MedGen C1631597, MONDO:0011484, OMIM 604772.
Catecholaminergic polymorphic ventricular tachycardia (CVPT). Also called: Catecholamine-induced polymorphic ventricular tachycardia. Identifiers: Orphanet 3286, MedGen C5574922, MONDO:0017990.

Allele frequency attached by ClinVar (database versions not stated): TOPMed below 0.00001; ExAC 0.00001; gnomAD 0.00001; ESP Exome Variant Server 0.00008.
gnomAD v4.1: 3 of 1,613,642 alleles (0.00019%); highest among the groups gnomAD compares: Non-Finnish European, 0.00025%; no homozygotes.

Submissions (2):

All of Us Research Program, National Institutes of Health
Classification: Uncertain significance for Catecholaminergic polymorphic ventricular tachycardia. Last evaluated: 2023-03-28. Review status: criteria provided, single submitter. Criteria: ACMG Guidelines, 2015. Collection method: clinical testing. Allele origin: germline. Inheritance: Autosomal dominant inheritance. Observed: 1 variant allele, 1 heterozygote.
Comment: This study involves interpretation of variants in research participants for the purpose of population health screening. Participant phenotype was not available at the time of variant classification. Additional details can be found in publication PMID: 35346344, PMCID: PMC8962531

Labcorp Genetics (formerly Invitae), Labcorp
Classification: Uncertain significance for Catecholaminergic polymorphic ventricular tachycardia 1. Last evaluated: 2022-07-03. Review status: criteria provided, single submitter. Criteria: Invitae Variant Classification Sherloc (09022015). Collection method: clinical testing. Allele origin: germline.
Comment: This variant is present in population databases (rs370137005, gnomAD 0.0009%). In summary, the available evidence is currently insufficient to determine the role of this variant in disease. Therefore, it has been classified as a Variant of Uncertain Significance. Advanced modeling of protein sequence and biophysical properties (such as structural, functional, and spatial information, amino acid conservation, physicochemical variation, residue mobility, and thermodynamic stability) performed at Invitae indicates that this missense variant is expected to disrupt RYR2 protein function. ClinVar contains an entry for this variant (Variation ID: 659977). This variant has not been reported in the literature in individuals affected with RYR2-related conditions. This sequence change replaces proline, which is neutral and non-polar, with threonine, which is neutral and polar, at codon 2333 of the RYR2 protein (p.Pro2333Thr).